The following is an entry in ClinVar:

ClinVar aggregate classification (germline): Uncertain significance (1 of 4 stars; one submission).

Submission:

GeneDx
Classification: Uncertain significance. Last evaluated: 2026-04-22. Review status: criteria provided, single submitter. Criteria: GeneDx Variant Classification Process June 2021. Collection method: clinical testing. Allele origin: germline.
Comment: Not observed at significant frequency in large population cohorts (gnomAD); In silico analysis supports that this missense variant has a deleterious effect on protein structure/function; Has not been previously published as pathogenic or benign to our knowledge

NM_002470.4(MYH3):c.1715G>T (p.Gly572Val)

Gene: MYH3 (myosin heavy chain 3; minus strand). Cytogenetic location: 17p13.1.
Variant type: single nucleotide variant.
Coding change: c.1715G>T on transcript NM_002470.4 (MANE Select); coding-DNA position 1715, G replaced by T.
Protein change: p.Gly572Val; replaces glycine 572 with valine.
Molecular consequence: missense variant.
Genome position (GRCh38, 1-based): chr17:10,642,590, C>A on the plus strand (G>T on the coding strand, the complement: MYH3 is on the minus strand). VCF-style: chr17-10642590-C-A. GRCh37 (hg19) VCF-style: chr17-10545907-C-A.
Other names: short protein forms G572V.
Identifiers: ClinVar variation 5037556 (VCV005037556.1).